The following is an entry in ClinVar:

NM_005918.4(MDH2):c.1001T>C (p.Val334Ala)

Gene: MDH2 (malate dehydrogenase 2; plus strand). Cytogenetic location: 7q11.23.
Variant type: single nucleotide variant.
Coding change: c.1001T>C on transcript NM_005918.4 (MANE Select); coding-DNA position 1001, T replaced by C.
Protein change: p.Val334Ala; replaces valine 334 with alanine.
Molecular consequence: missense variant.
Genome position (GRCh38, 1-based): chr7:76,066,394, T>C. VCF-style: chr7-76066394-T-C. GRCh37 (hg19) VCF-style: chr7-75695712-T-C.
Other names: c.875T>C, p.Val292Ala (NM_001282403.2); c.680T>C, p.Val227Ala (NM_001282404.2); short protein forms V334A, V227A, V292A.
Identifiers: ClinVar variation 3394075 (VCV003394075.1).

ClinVar aggregate classification (germline): Uncertain significance (1 of 4 stars; one submission).

Conditions:
Inborn genetic diseases. Identifiers: MedGen C0950123, MeSH D030342.

Submission:

Ambry Genetics
Classification: Uncertain significance for Inborn genetic diseases. Last evaluated: 2024-10-04. Review status: criteria provided, single submitter. Criteria: Ambry Variant Classification Scheme 2023. Collection method: clinical testing. Allele origin: germline.
Comment: The p.V334A variant (also known as c.1001T>C), located in coding exon 9 of the MDH2 gene, results from a T to C substitution at nucleotide position 1001. The valine at codon 334 is replaced by alanine, an amino acid with similar properties. This amino acid position is conserved. In addition, this alteration is predicted to be tolerated by in silico analysis. Based on the available evidence, the clinical significance of this variant remains unclear.